The following is an entry in ClinVar:

NM_004333.6(BRAF):c.712-221T>C

Gene: BRAF (B-Raf proto-oncogene, serine/threonine kinase; minus strand). Cytogenetic location: 7q34.
Variant type: single nucleotide variant.
Coding change: c.712-221T>C on transcript NM_004333.6 (MANE Select); 221 bases into the intron before coding-DNA position 712, T replaced by C.
Molecular consequence: intron variant.
Genome position (GRCh38, 1-based): chr7:140,801,781, A>G on the plus strand (T>C on the coding strand, the complement: BRAF is on the minus strand). VCF-style: chr7-140801781-A-G. GRCh37 (hg19) VCF-style: chr7-140501581-A-G.
Other names: c.712-221T>C (NM_001378474.1, NM_001378471.1, NM_001378468.1 and 4 more transcripts); c.610-221T>C (NM_001378470.1); c.448-221T>C (NM_001378475.1); c.721-221T>C (NM_001378467.1); c.556-221T>C (NM_001378472.1, NM_001378473.1).
Identifiers: ClinVar variation 931837 (VCV000931837.3), dbSNP rs1803141356, ClinGen allele CA1139660289.

ClinVar aggregate classification (germline): Uncertain significance (1 of 4 stars; one submission).

Conditions:
Cardiofaciocutaneous syndrome 1 (CFC1). Also called: BRAF-Related Cardiofaciocutaneous Syndrome; MAP2K1-Related Cardiofaciocutaneous Syndrome; KRAS-Related Cardiofaciocutaneous Syndrome; MAP2K2-Related Cardiofaciocutaneous Syndrome. Identifiers: Orphanet 1340, MedGen CN029449, MONDO:0007265, OMIM 115150. Disease mechanism: gain of function.

Submission:

Centre for Mendelian Genomics, University Medical Centre Ljubljana
Classification: Uncertain significance for Cardiofaciocutaneous syndrome 1. Last evaluated: 2018-11-01. Review status: criteria provided, single submitter. Criteria: ACMG Guidelines, 2015. Collection method: clinical testing. Allele origin: unknown. Affected: yes.
Comment: This variant was classified as: Uncertain significance. The available evidence on this variant's pathogenicity is insufficient or conflicting. The following ACMG criteria were applied in classifying this variant: PM2.